The following is an entry in ClinVar:

ClinVar aggregate classification (germline): Uncertain significance. Review status: criteria provided, single submitter (1 of 4 stars). 2 submissions from 2 submitters: Uncertain significance (1). 1 of the submissions does not count toward it. Last evaluated 2024-09-08.

Conditions:
TAF15-related disorder. Also called: TAF15-related condition.

gnomAD v4.1: 6 of 1,613,928 alleles (0.00037%); highest among the groups gnomAD compares: Admixed American, 0.01%; no homozygotes.

Submissions (2):

Ambry Genetics
Classification: Uncertain significance. Last evaluated: 2024-09-08. Review status: criteria provided, single submitter. Criteria: Ambry Variant Classification Scheme 2023. Collection method: clinical testing. Allele origin: germline.

PreventionGenetics, part of Exact Sciences
Classification: Uncertain significance for TAF15-related condition. Last evaluated: 2024-09-28. Review status: no assertion criteria provided. Collection method: clinical testing. Allele origin: germline. Not counted in ClinVar's aggregate classification.
Comment: The TAF15 c.269A>G variant is predicted to result in the amino acid substitution p.Gln90Arg. To our knowledge, this variant has not been reported in the literature. This variant is reported in 0.012% of alleles in individuals of Latino descent in gnomAD. At this time, the clinical significance of this variant is uncertain due to the absence of conclusive functional and genetic evidence.

NM_139215.3(TAF15):c.269A>G (p.Gln90Arg)

Gene: TAF15 (TATA-box binding protein associated factor 15; plus strand). Cytogenetic location: 17q12.
Variant type: single nucleotide variant.
Coding change: c.269A>G on transcript NM_139215.3 (MANE Select); coding-DNA position 269, A replaced by G.
Protein change: p.Gln90Arg; replaces glutamine 90 with arginine.
Molecular consequence: missense variant.
Genome position (GRCh38, 1-based): chr17:35,820,416, A>G. VCF-style: chr17-35820416-A-G. GRCh37 (hg19) VCF-style: chr17-34147420-A-G.
Other names: c.260A>G, p.Gln87Arg (NM_003487.4); c.269A>G (NM_139215.1); short protein forms Q87R, Q90R.
Identifiers: ClinVar variation 3358449 (VCV003358449.2).